The following is an entry in ClinVar:

ClinVar aggregate classification (germline): Uncertain significance. Review status: criteria provided, multiple submitters, no conflicts (2 of 4 stars). 2 submissions from 2 submitters: Uncertain significance (2). Last evaluated 2024-09-09.

Conditions:
POLD1-related polyposis and colorectal cancer syndrome (CRCS10). Also called: Colorectal cancer, susceptibility to, 10; Colorectal cancer 10; COLORECTAL CANCER, SUSCEPTIBILITY TO, ON CHROMOSOME 19q. Identifiers: Orphanet 220460, MedGen C2675481, MONDO:0012953, OMIM 612591.

Submissions (2):

Labcorp Genetics (formerly Invitae), Labcorp
Classification: Uncertain significance for POLD1-related polyposis and colorectal cancer syndrome. Last evaluated: 2024-09-09. Review status: criteria provided, single submitter. Criteria: Invitae Variant Classification Sherloc (09022015). Collection method: clinical testing. Allele origin: germline.
Comment: This sequence change replaces proline, which is neutral and non-polar, with threonine, which is neutral and polar, at codon 243 of the POLD1 protein (p.Pro243Thr). This variant is not present in population databases (gnomAD no frequency). This variant has not been reported in the literature in individuals affected with POLD1-related conditions. ClinVar contains an entry for this variant (Variation ID: 1304775). Invitae Evidence Modeling of protein sequence and biophysical properties (such as structural, functional, and spatial information, amino acid conservation, physicochemical variation, residue mobility, and thermodynamic stability) indicates that this missense variant is not expected to disrupt POLD1 protein function with a negative predictive value of 80%. In summary, the available evidence is currently insufficient to determine the role of this variant in disease. Therefore, it has been classified as a Variant of Uncertain Significance.

GeneDx
Classification: Uncertain significance. Last evaluated: 2019-07-05. Review status: criteria provided, single submitter. Criteria: GeneDx Variant Classification Process June 2021. Collection method: clinical testing. Allele origin: germline. Affected: yes.
Comment: Not observed in large population cohorts (Lek et al., 2016); Has not been previously published as pathogenic or benign to our knowledge

NM_002691.4(POLD1):c.727C>A (p.Pro243Thr)

Gene: POLD1 (DNA polymerase delta 1, catalytic subunit; plus strand). Cytogenetic location: 19q13.33.
Variant type: single nucleotide variant.
Coding change: c.727C>A on transcript NM_002691.4 (MANE Select); coding-DNA position 727, C replaced by A.
Protein change: p.Pro243Thr; replaces proline 243 with threonine.
Molecular consequence: missense variant. On other transcripts: non-coding transcript variant (1).
Genome position (GRCh38, 1-based): chr19:50,402,342, C>A. VCF-style: chr19-50402342-C-A. GRCh37 (hg19) VCF-style: chr19-50905599-C-A.
Other names: c.727C>A, p.Pro243Thr (NM_001256849.1, NM_001308632.1); short protein forms P243T.
Identifiers: ClinVar variation 1304775 (VCV001304775.4), dbSNP rs2122246414, ClinGen allele CA406974537.